The following is an entry in ClinVar:

NM_020937.4(FANCM):c.2963C>T (p.Ala988Val)

Gene: FANCM (FA complementation group M; plus strand). Cytogenetic location: 14q21.2.
Variant type: single nucleotide variant.
Coding change: c.2963C>T on transcript NM_020937.4 (MANE Select); coding-DNA position 2963, C replaced by T.
Protein change: p.Ala988Val; replaces alanine 988 with valine.
Molecular consequence: missense variant.
Genome position (GRCh38, 1-based): chr14:45,175,717, C>T. VCF-style: chr14-45175717-C-T. GRCh37 (hg19) VCF-style: chr14-45644920-C-T.
Other names: c.2885C>T, p.Ala962Val (NM_001308133.2); short protein forms A962V, A988V.
Identifiers: ClinVar variation 4619484 (VCV004619484.1).
Genomic context (GRCh38, chr14:45,175,717, plus strand): 5'-ATATTGTTAGAACAGATGACCAATTTTATAATTGTCACTCATTGACAAAAGAGGTACTAG[C>T]TAATGTAGAGAGATTTTTATCTTATTCTCCTCCGCCTCTCAGTGGACTCTCAGACTTGGA-3'
Protein context (NP_065988.1, residues 978-998): NCHSLTKEVL[Ala988Val]NVERFLSYSP

ClinVar aggregate classification (germline): Uncertain significance (1 of 4 stars; one submission).

Conditions:
Inborn genetic diseases. Identifiers: MedGen C0950123, MeSH D030342.

Submission:

Ambry Genetics
Classification: Uncertain significance for Inborn genetic diseases. Last evaluated: 2025-10-14. Review status: criteria provided, single submitter. Criteria: Ambry Variant Classification Scheme 2023. Collection method: clinical testing. Allele origin: germline.
Comment: The p.A988V variant (also known as c.2963C>T), located in coding exon 14 of the FANCM gene, results from a C to T substitution at nucleotide position 2963. The alanine at codon 988 is replaced by valine, an amino acid with similar properties. This amino acid position is conserved. In addition, this alteration is predicted to be tolerated by in silico analysis. Based on the available evidence, the clinical significance of this variant remains unclear.